The following is an entry in ClinVar:

ClinVar aggregate classification (germline): Pathogenic (1 of 4 stars; one submission).

Conditions:
Neurofibromatosis, type 1 (NF1). Also called: Neurofibromatosis, type I; VON RECKLINGHAUSEN DISEASE; NEUROFIBROMATOSIS, TYPE I, SOMATIC; Peripheral type neurofibromatosis. Identifiers: Orphanet 636, MedGen C0027831, MONDO:0018975, OMIM 162200. Disease mechanism: loss of function.

Submission:

Labcorp Genetics (formerly Invitae), Labcorp
Classification: Pathogenic for Neurofibromatosis, type 1. Last evaluated: 2021-05-20. Review status: criteria provided, single submitter. Criteria: Invitae Variant Classification Sherloc (09022015). Collection method: clinical testing. Allele origin: germline.
Comment: For these reasons, this variant has been classified as Pathogenic. This variant has not been reported in the literature in individuals with NF1-related conditions. This variant is not present in population databases (ExAC no frequency). This sequence change creates a premature translational stop signal (p.Ser593Asnfs*18) in the NF1 gene. It is expected to result in an absent or disrupted protein product. Loss-of-function variants in NF1 are known to be pathogenic (PMID: 10712197, 23913538).

Literature cited by the submitters: PubMed 10712197; PubMed 23913538.

NM_001042492.3(NF1):c.1777_1778insATAA (p.Ser593fs)

Gene: NF1 (neurofibromin 1; plus strand). Cytogenetic location: 17q11.2.
Variant type: Insertion.
Coding change: c.1777_1778insATAA on transcript NM_001042492.3 (MANE Select); coding-DNA positions 1777 to 1778, ATAA inserted.
Protein change: p.Ser593fs; shifts the reading frame from serine 593.
Molecular consequence: frameshift variant.
Genome position: GRCh38 VCF-style: chr17-31223498-T-TAATA. GRCh37 (hg19) VCF-style: chr17-29550516-T-TAATA.
Other names: c.1777_1778insATAA, p.Ser593Asnfs (NM_000267.4); short protein forms S593fs.
Identifiers: ClinVar variation 1455708 (VCV001455708.6), dbSNP rs2144016379, ClinGen allele CA2573153232.